The following is an entry in ClinVar:

NM_006922.4(SCN3A):c.3871G>A (p.Ala1291Thr)

Gene: SCN3A (sodium voltage-gated channel alpha subunit 3; minus strand). Cytogenetic location: 2q24.3.
Variant type: single nucleotide variant.
Coding change: c.3871G>A on transcript NM_006922.4 (MANE Select); coding-DNA position 3871, G replaced by A.
Protein change: p.Ala1291Thr; replaces alanine 1291 with threonine.
Molecular consequence: missense variant.
Genome position (GRCh38, 1-based): chr2:165,100,397, C>T on the plus strand (G>A on the coding strand, the complement: SCN3A is on the minus strand). VCF-style: chr2-165100397-C-T. GRCh37 (hg19) VCF-style: chr2-165956907-C-T.
Other names: c.3724G>A, p.Ala1242Thr (NM_001081676.2, NM_001081677.2); short protein forms A1291T, A1242T.
Identifiers: ClinVar variation 652263 (VCV000652263.10), dbSNP rs1474459527, ClinGen allele CA349028393.

ClinVar aggregate classification (germline): Uncertain significance. Review status: criteria provided, multiple submitters, no conflicts (2 of 4 stars). 2 submissions from 2 submitters: Uncertain significance (2). Last evaluated 2025-10-13.

Allele frequency attached by ClinVar (database versions not stated): gnomAD exomes below 0.00001.
gnomAD v4.1: 2 of 1,613,374 alleles (0.00012%); highest among the groups gnomAD compares: Non-Finnish European, 0.000085%; no homozygotes.

Submissions (2):

Labcorp Genetics (formerly Invitae), Labcorp
Classification: Uncertain significance. Last evaluated: 2025-10-13. Review status: criteria provided, single submitter. Criteria: Invitae Variant Classification Sherloc (09022015). Collection method: clinical testing. Allele origin: germline.
Comment: This sequence change replaces alanine, which is neutral and non-polar, with threonine, which is neutral and polar, at codon 1291 of the SCN3A protein (p.Ala1291Thr). This variant is not present in population databases (gnomAD no frequency). This variant has not been reported in the literature in individuals affected with SCN3A-related conditions. ClinVar contains an entry for this variant (Variation ID: 652263). Invitae Evidence Modeling of protein sequence and biophysical properties (such as structural, functional, and spatial information, amino acid conservation, physicochemical variation, residue mobility, and thermodynamic stability) indicates that this missense variant is not expected to disrupt SCN3A protein function with a negative predictive value of 95%. In summary, the available evidence is currently insufficient to determine the role of this variant in disease. Therefore, it has been classified as a Variant of Uncertain Significance.

Laboratorio de Genetica e Diagnostico Molecular, Hospital Israelita Albert Einstein
Classification: Uncertain significance. Last evaluated: 2021-10-05. Review status: criteria provided, single submitter. Criteria: ACMG Guidelines, 2015. Collection method: clinical testing. Allele origin: germline. Affected: yes.
Comment: ACMG classification criteria: PM2, PP2